The following is an entry in ClinVar:

ClinVar aggregate classification (germline): Uncertain significance. Review status: criteria provided, multiple submitters, no conflicts (2 of 4 stars). 2 submissions from 2 submitters: Uncertain significance (2). Last evaluated 2025-02-16.

Conditions:
Hereditary cancer-predisposing syndrome. Also called: Neoplastic Syndromes, Hereditary; Hereditary neoplastic syndrome; Tumor predisposition; Hereditary Cancer Syndrome. Identifiers: Orphanet 140162, MedGen C0027672, MeSH D009386, MONDO:0015356.
Tuberous sclerosis 1 (TSC1). Identifiers: Orphanet 805, MedGen C1854465, MONDO:0008612, OMIM 191100.

Allele frequency attached by ClinVar (database versions not stated): TOPMed below 0.00001.

Submissions (2):

Ambry Genetics
Classification: Uncertain significance for Hereditary cancer-predisposing syndrome. Last evaluated: 2025-02-16. Review status: criteria provided, single submitter. Criteria: Ambry Variant Classification Scheme 2023. Collection method: clinical testing. Allele origin: germline.
Comment: The p.E813G variant (also known as c.2438A>G), located in coding exon 17 of the TSC1 gene, results from an A to G substitution at nucleotide position 2438. The glutamic acid at codon 813 is replaced by glycine, an amino acid with similar properties. This amino acid position is conserved. In addition, this alteration is predicted to be deleterious by in silico analysis. Based on the available evidence, the clinical significance of this variant remains unclear.

Labcorp Genetics (formerly Invitae), Labcorp
Classification: Uncertain significance for Tuberous sclerosis 1. Last evaluated: 2024-02-09. Review status: criteria provided, single submitter. Criteria: Invitae Variant Classification Sherloc (09022015). Collection method: clinical testing. Allele origin: germline.
Comment: This sequence change replaces glutamic acid, which is acidic and polar, with glycine, which is neutral and non-polar, at codon 813 of the TSC1 protein (p.Glu813Gly). This variant is not present in population databases (gnomAD no frequency). This variant has not been reported in the literature in individuals affected with TSC1-related conditions. ClinVar contains an entry for this variant (Variation ID: 534425). Advanced modeling of protein sequence and biophysical properties (such as structural, functional, and spatial information, amino acid conservation, physicochemical variation, residue mobility, and thermodynamic stability) performed at Invitae indicates that this missense variant is not expected to disrupt TSC1 protein function with a negative predictive value of 95%. In summary, the available evidence is currently insufficient to determine the role of this variant in disease. Therefore, it has been classified as a Variant of Uncertain Significance.

NM_000368.5(TSC1):c.2438A>G (p.Glu813Gly)

Gene: TSC1 (TSC complex subunit 1; minus strand). Cytogenetic location: 9q34.13.
Variant type: single nucleotide variant.
Coding change: c.2438A>G on transcript NM_000368.5 (MANE Select); coding-DNA position 2438, A replaced by G.
Protein change: p.Glu813Gly; replaces glutamic acid 813 with glycine.
Molecular consequence: missense variant.
Genome position (GRCh38, 1-based): chr9:132,901,653, T>C on the plus strand (A>G on the coding strand, the complement: TSC1 is on the minus strand). VCF-style: chr9-132901653-T-C. GRCh37 (hg19) VCF-style: chr9-135777040-T-C.
Other names: c.2435A>G, p.Glu812Gly (NM_001162426.2); c.2285A>G, p.Glu762Gly (NM_001162427.2); c.2075A>G, p.Glu692Gly (NM_001362177.2); short protein forms E813G, E692G, E812G, E762G.
Identifiers: ClinVar variation 534425 (VCV000534425.9), dbSNP rs1554814657, ClinGen allele CA375358595.
Genomic context (GRCh38, chr9:132,901,653, plus strand): 5'-TGGGAAACCTGACTGAGCAGCAGCTCAGTGTGACACACCTTGTTGTTGGCCTTCTTCAGT[T>C]CTATCCGCAGCTCCGCAATCATGTTCCTGCAGTCCTCCAGCTTCGTCTGCCCAAAGAGAC-3'
Protein context (NP_000359.1, residues 803-823): CRNMIAELRI[Glu813Gly]LKKANNKVCH